The following is an entry in ClinVar:

NM_001080467.3(MYO5B):c.4508A>G (p.Tyr1503Cys)

Genes: MYO5B (myosin VB; minus strand), SNHG22 (small nucleolar RNA host gene 22; plus strand). Cytogenetic location: 18q21.1.
Variant type: single nucleotide variant.
Coding change: c.4508A>G on transcript NM_001080467.3 (MANE Select); coding-DNA position 4508, A replaced by G.
Protein change: p.Tyr1503Cys; replaces tyrosine 1503 with cysteine.
Molecular consequence: missense variant.
Genome position (GRCh38, 1-based): chr18:49,843,344, T>C on the plus strand (A>G on the coding strand, the complement: MYO5B is on the minus strand). VCF-style: chr18-49843344-T-C. GRCh37 (hg19) VCF-style: chr18-47369714-T-C.
Other names: short protein forms Y1503C.
Identifiers: ClinVar variation 1930904 (VCV001930904.3), dbSNP rs1157320357, ClinGen allele CA402425429.
Genomic context (GRCh38, chr18:49,843,344, plus strand): 5'-GAGTGCACCTTGAGATCGTCGTTGGTGTAGTCCGCGTGCCGGATGCACATGTAGAGGATG[T>C]AGGCGGGGAGACAGGGCACTGTGCCCGACAGCATCTGGGGCTTCAAGTCTAAGGGCAACG-3'
Protein context (NP_001073936.1, residues 1493-1513): LSGTVPCLPA[Tyr1503Cys]ILYMCIRHAD

ClinVar aggregate classification (germline): Uncertain significance (1 of 4 stars; one submission).

Allele frequency attached by ClinVar (database versions not stated): gnomAD exomes below 0.00001; TOPMed below 0.00001.
gnomAD v4.1: 3 of 1,614,168 alleles (0.00019%); highest among the groups gnomAD compares: Admixed American, 0.0017%; no homozygotes.

Submission:

Labcorp Genetics (formerly Invitae), Labcorp
Classification: Uncertain significance. Last evaluated: 2022-06-19. Review status: criteria provided, single submitter. Criteria: Invitae Variant Classification Sherloc (09022015). Collection method: clinical testing. Allele origin: germline.
Comment: In summary, the available evidence is currently insufficient to determine the role of this variant in disease. Therefore, it has been classified as a Variant of Uncertain Significance. Algorithms developed to predict the effect of missense changes on protein structure and function are either unavailable or do not agree on the potential impact of this missense change (SIFT: "Deleterious"; PolyPhen-2: "Probably Damaging"; Align-GVGD: "Class C0"). This variant has not been reported in the literature in individuals affected with MYO5B-related conditions. This variant is present in population databases (no rsID available, gnomAD 0.003%). This sequence change replaces tyrosine, which is neutral and polar, with cysteine, which is neutral and slightly polar, at codon 1503 of the MYO5B protein (p.Tyr1503Cys).